The following is an entry in ClinVar:

ClinVar aggregate classification (germline): Uncertain significance. Review status: criteria provided, multiple submitters, no conflicts (2 of 4 stars). 4 submissions from 4 submitters: Uncertain significance (4). Last evaluated 2025-10-27.

Conditions:
Hereditary cancer-predisposing syndrome. Also called: Neoplastic Syndromes, Hereditary; Hereditary Cancer Syndrome; Tumor predisposition; Hereditary neoplastic syndrome. Identifiers: Orphanet 140162, MedGen C0027672, MeSH D009386, MONDO:0015356.
Familial cancer of breast. Also called: Hereditary breast cancer; hereditary breast carcinoma; BREAST CANCER, FAMILIAL. Identifiers: Orphanet 227535, MedGen C0346153, MONDO:0016419, OMIM 114480. Disease mechanism: loss of function.

gnomAD v4.1: 2 of 1,613,974 alleles (0.00012%); highest among the groups gnomAD compares: Non-Finnish European, 0.00017%; no homozygotes.

Submissions (4):

Ambry Genetics
Classification: Uncertain significance for Hereditary cancer-predisposing syndrome. Last evaluated: 2025-10-27. Review status: criteria provided, single submitter. Criteria: Ambry Variant Classification Scheme 2023. Collection method: clinical testing. Allele origin: germline.
Comment: The p.S57C variant (also known as c.170C>G), located in coding exon 1 of the CHEK2 gene, results from a C to G substitution at nucleotide position 170. The serine at codon 57 is replaced by cysteine, an amino acid with dissimilar properties. This amino acid position is highly conserved in available vertebrate species. In addition, the in silico prediction for this alteration is inconclusive. Based on the available evidence, the clinical significance of this variant remains unclear.

Color Diagnostics, LLC DBA Color Health
Classification: Uncertain significance for Hereditary cancer-predisposing syndrome. Last evaluated: 2023-10-09. Review status: criteria provided, single submitter. Criteria: ACMG Guidelines, 2015. Collection method: clinical testing. Allele origin: germline.
Comment: This missense variant replaces serine with cysteine at codon 57 of the CHEK2 protein. Computational prediction suggests that this variant may not impact protein structure and function (internally defined REVEL score threshold <= 0.5, PMID: 27666373). To our knowledge, functional studies have not been reported for this variant. This variant has not been reported in individuals affected with CHEK2-related disorders in the literature. This variant has not been identified in the general population by the Genome Aggregation Database (gnomAD). The available evidence is insufficient to determine the role of this variant in disease conclusively. Therefore, this variant is classified as a Variant of Uncertain Significance.

Baylor Genetics
Classification: Uncertain significance for Familial cancer of breast. Last evaluated: 2023-07-14. Review status: criteria provided, single submitter. Criteria: ACMG Guidelines, 2015. Collection method: clinical testing. Allele origin: unknown.

Labcorp Genetics (formerly Invitae), Labcorp
Classification: Uncertain significance for Familial cancer of breast. Last evaluated: 2023-04-28. Review status: criteria provided, single submitter. Criteria: Invitae Variant Classification Sherloc (09022015). Collection method: clinical testing. Allele origin: germline.
Comment: In summary, the available evidence is currently insufficient to determine the role of this variant in disease. Therefore, it has been classified as a Variant of Uncertain Significance. An algorithm developed to predict the effect of missense changes on protein structure and function (PolyPhen-2) suggests that this variant is likely to be disruptive. ClinVar contains an entry for this variant (Variation ID: 853065). This variant has not been reported in the literature in individuals affected with CHEK2-related conditions. This variant is present in population databases (no rsID available, gnomAD 0.0009%). This sequence change replaces serine, which is neutral and polar, with cysteine, which is neutral and slightly polar, at codon 57 of the CHEK2 protein (p.Ser57Cys).

NM_007194.4(CHEK2):c.170C>G (p.Ser57Cys)

Gene: CHEK2 (checkpoint kinase 2; minus strand). Cytogenetic location: 22q12.1.
Variant type: single nucleotide variant.
Coding change: c.170C>G on transcript NM_007194.4 (MANE Select); coding-DNA position 170, C replaced by G.
Protein change: p.Ser57Cys; replaces serine 57 with cysteine.
Molecular consequence: missense variant.
Genome position (GRCh38, 1-based): chr22:28,734,552, G>C on the plus strand (C>G on the coding strand, the complement: CHEK2 is on the minus strand). VCF-style: chr22-28734552-G-C. GRCh37 (hg19) VCF-style: chr22-29130540-G-C.
Other names: c.170C>G, p.Ser57Cys (NM_001005735.3, NM_001349956.3, NM_145862.3); c.-608C>G (NM_001257387.3); short protein forms S57C.
Identifiers: ClinVar variation 853065 (VCV000853065.16), dbSNP rs730881695, ClinGen allele CA322998750.